The following is an entry in ClinVar:

NM_000274.4(OAT):c.583G>T (p.Asp195Tyr)

Gene: OAT (ornithine aminotransferase; minus strand). Cytogenetic location: 10q26.13.
Variant type: single nucleotide variant.
Coding change: c.583G>T on transcript NM_000274.4 (MANE Select); coding-DNA position 583, G replaced by T.
Protein change: p.Asp195Tyr; replaces aspartic acid 195 with tyrosine.
Molecular consequence: missense variant. On other transcripts: 5 prime UTR variant (1).
Genome position (GRCh38, 1-based): chr10:124,405,501, C>A on the plus strand (G>T on the coding strand, the complement: OAT is on the minus strand). VCF-style: chr10-124405501-C-A. GRCh37 (hg19) VCF-style: chr10-126094070-C-A.
Other names: c.169G>T, p.Asp57Tyr (NM_001171814.2); c.583G>T, p.Asp195Tyr (NM_001322965.2, NM_001322966.2, NM_001322967.2 and 3 more transcripts); c.262G>T, p.Asp88Tyr (NM_001322971.2); c.-18G>T (NM_001322974.2); short protein forms D195Y, D57Y, D88Y.
Identifiers: ClinVar variation 56132 (VCV000056132.6), dbSNP rs386833614, ClinGen allele CA144168.

ClinVar aggregate classification (germline): Conflicting classifications of pathogenicity. Review status: criteria provided, conflicting classifications (1 of 4 stars). 3 submissions from 3 submitters: Likely pathogenic (1); Uncertain significance (1). 1 of the submissions does not count toward it. Last evaluated 2025-01-28.

Conditions:
Hyperornithinemia. Also called: Ornithinemia. Identifiers: MedGen C0599035, HP:0012026.
Ornithine aminotransferase deficiency (GACR). Also called: OAT DEFICIENCY; OKT DEFICIENCY; Ornithine ketoacid aminotransferase deficiency; Gyrate atrophy; Gyrate atrophy of choroid and retina; Girate atrophy of the retina. Identifiers: Orphanet 414, MedGen C0018425, MONDO:0009796, OMIM 258870.

Submissions (3):

Women's Health and Genetics/Laboratory Corporation of America, LabCorp
Classification: Likely pathogenic for Hyperornithinemia. Last evaluated: 2025-01-28. Review status: criteria provided, single submitter. Criteria: LabCorp Variant Classification Summary - May 2015. Collection method: clinical testing. Allele origin: germline.
Comment: Variant summary: OAT c.583G>T (p.Asp195Tyr) results in a non-conservative amino acid change located in the PLP-dependent transferases domain (IPR015424) of the encoded protein sequence. Three of five in-silico tools predict a benign effect of the variant on protein function. The variant was absent in 251464 control chromosomes. c.583G>T has been reported in the literature in at-least one individual affected with Ornithine Aminotransferase Deficiency with undetectable Ornithine ketoacid aminotransferase activity in vitro in PHA-transformed lymphocytes and cultured skinfibroblasts (example: Mashima_1996). The following publications have been ascertained in the context of this evaluation (PMID: 8670789, 7260021). ClinVar contains an entry for this variant (Variation ID: 56132). Based on the evidence outlined above, the variant was classified as likely pathogenic.

Labcorp Genetics (formerly Invitae), Labcorp
Classification: Uncertain significance for Ornithine aminotransferase deficiency. Last evaluated: 2023-12-20. Review status: criteria provided, single submitter. Criteria: Invitae Variant Classification Sherloc (09022015). Collection method: clinical testing. Allele origin: germline.
Comment: This sequence change replaces aspartic acid, which is acidic and polar, with tyrosine, which is neutral and polar, at codon 195 of the OAT protein (p.Asp195Tyr). This variant is not present in population databases (gnomAD no frequency). This missense change has been observed in individual(s) with gyrate atrophy (PMID: 8670789). ClinVar contains an entry for this variant (Variation ID: 56132). Advanced modeling of protein sequence and biophysical properties (such as structural, functional, and spatial information, amino acid conservation, physicochemical variation, residue mobility, and thermodynamic stability) performed at Invitae indicates that this missense variant is not expected to disrupt OAT protein function with a negative predictive value of 80%. In summary, the available evidence is currently insufficient to determine the role of this variant in disease. Therefore, it has been classified as a Variant of Uncertain Significance.

Juha Muilu Group; Institute for Molecular Medicine Finland (FIMM)
Classification: Likely pathogenic for Ornithine aminotransferase deficiency. Review status: no assertion criteria provided. Collection method: not provided. Allele origin: unknown. Not counted in ClinVar's aggregate classification.
Comment: FinDis database variant: This variant was not found or characterized by our laboratory, data were collected from public sources: see reference
ClinVar note: Converted during submission from probable-pathogenic to Likely pathogenic.

Literature cited by the submitters: PubMed 31589614 (cited by Women's Health and Genetics/Laboratory Corporation of America, LabCorp); PubMed 7260021 (cited by Women's Health and Genetics/Laboratory Corporation of America, LabCorp); PubMed 8670789 (cited by Women's Health and Genetics/Laboratory Corporation of America, LabCorp and Labcorp Genetics (formerly Invitae), Labcorp).